The following is an entry in ClinVar:

ClinVar aggregate classification (germline): Uncertain significance (1 of 4 stars; one submission).

Conditions:
Baller-Gerold syndrome (BGS). Also called: CRANIOSYNOSTOSIS WITH RADIAL DEFECTS. Identifiers: Orphanet 1225, MedGen C0265308, MONDO:0009039, OMIM 218600.

Submission:

Labcorp Genetics (formerly Invitae), Labcorp
Classification: Uncertain significance for Baller-Gerold syndrome. Last evaluated: 2021-01-25. Review status: criteria provided, single submitter. Criteria: Invitae Variant Classification Sherloc (09022015). Collection method: clinical testing. Allele origin: germline.
Comment: This sequence change replaces proline with alanine at codon 953 of the RECQL4 protein (p.Pro953Ala). The proline residue is moderately conserved and there is a small physicochemical difference between proline and alanine. This variant is not present in population databases (ExAC no frequency). This variant has not been reported in the literature in individuals with RECQL4-related conditions. Algorithms developed to predict the effect of missense changes on protein structure and function are either unavailable or do not agree on the potential impact of this missense change (SIFT: "Not Available"; PolyPhen-2: "Not Available"; Align-GVGD: "Not Available"). In summary, the available evidence is currently insufficient to determine the role of this variant in disease. Therefore, it has been classified as a Variant of Uncertain Significance.

NM_004260.4(RECQL4):c.2857C>G (p.Pro953Ala)

Gene: RECQL4 (RecQ like helicase 4; minus strand). Cytogenetic location: 8q24.3.
Variant type: single nucleotide variant.
Coding change: c.2857C>G on transcript NM_004260.4 (MANE Select); coding-DNA position 2857, C replaced by G.
Protein change: p.Pro953Ala; replaces proline 953 with alanine.
Molecular consequence: missense variant.
Genome position (GRCh38, 1-based): chr8:144,512,670, G>C on the plus strand (C>G on the coding strand, the complement: RECQL4 is on the minus strand). VCF-style: chr8-144512670-G-C. GRCh37 (hg19) VCF-style: chr8-145738053-G-C.
Other names: short protein forms P953A.
Identifiers: ClinVar variation 1379258 (VCV001379258.6), dbSNP rs2130666187, ClinGen allele CA372673981.